The following is an entry in ClinVar:

NM_001330288.2(SMARCC2):c.3310G>A (p.Val1104Met)

Gene: SMARCC2 (SWI/SNF related BAF chromatin remodeling complex subunit C2; minus strand). Cytogenetic location: 12q13.2.
Variant type: single nucleotide variant.
Coding change: c.3310G>A on transcript NM_001330288.2 (MANE Select); coding-DNA position 3310, G replaced by A.
Protein change: p.Val1104Met; replaces valine 1104 with methionine.
Molecular consequence: missense variant.
Genome position (GRCh38, 1-based): chr12:56,164,654, C>T on the plus strand (G>A on the coding strand, the complement: SMARCC2 is on the minus strand). VCF-style: chr12-56164654-C-T. GRCh37 (hg19) VCF-style: chr12-56558438-C-T.
Other names: c.3310G>A, p.Val1104Met (NM_001130420.3, NM_139067.4); c.3217G>A, p.Val1073Met (NM_003075.5); c.3217G>A (NM_003075.4); short protein forms V1104M, V1073M.
Identifiers: ClinVar variation 2375394 (VCV002375394.3), dbSNP rs145318577, ClinGen allele CA6625579.

ClinVar aggregate classification (germline): Conflicting classifications of pathogenicity. Review status: criteria provided, conflicting classifications (1 of 4 stars). 2 submissions from 2 submitters: Uncertain significance (1); Likely benign (1). Last evaluated 2025-01-06.

Conditions:
SMARCC2-related disorder. Also called: SMARCC2-related condition.
Inborn genetic diseases. Identifiers: MedGen C0950123, MeSH D030342.

Allele frequency attached by ClinVar (database versions not stated): 1000 Genomes Project 0.00020; 1000 Genomes Project 30x 0.00031; gnomAD 0.00050; ESP Exome Variant Server 0.00054; ExAC 0.00057; gnomAD exomes 0.00069; TOPMed 0.00071.
gnomAD v4.1: 1,084 of 1,612,444 alleles (0.067%); highest among the groups gnomAD compares: Non-Finnish European, 0.082%; 2 homozygotes.

Submissions (2):

PreventionGenetics, part of Exact Sciences
Classification: Likely benign for SMARCC2-related condition. Last evaluated: 2025-01-06. Review status: criteria provided, single submitter. Criteria: ACMG Guidelines, 2015. Collection method: clinical testing. Allele origin: germline.
Comment: This variant is classified as likely benign based on ACMG/AMP sequence variant interpretation guidelines (Richards et al. 2015 PMID: 25741868, with internal and published modifications).

Ambry Genetics
Classification: Uncertain significance for Inborn genetic diseases. Last evaluated: 2021-08-02. Review status: criteria provided, single submitter. Criteria: Ambry Variant Classification Scheme 2023. Collection method: clinical testing. Allele origin: germline.